The following is an entry in ClinVar:

ClinVar aggregate classification (germline): Pathogenic (1 of 4 stars; one submission).

Submission:

Labcorp Genetics (formerly Invitae), Labcorp
Classification: Pathogenic. Last evaluated: 2022-04-12. Review status: criteria provided, single submitter. Criteria: Invitae Variant Classification Sherloc (09022015). Collection method: clinical testing. Allele origin: germline.
Comment: For these reasons, this variant has been classified as Pathogenic. This variant has not been reported in the literature in individuals affected with ELP1-related conditions. This variant is not present in population databases (gnomAD no frequency). This sequence change creates a premature translational stop signal (p.Cys664Alafs*2) in the ELP1 gene. It is expected to result in an absent or disrupted protein product. Loss-of-function variants in ELP1 are known to be pathogenic (PMID: 18303054, 24173031).

Literature cited by the submitters: PubMed 18303054; PubMed 24173031.

NM_003640.5(ELP1):c.1990del (p.Cys664fs)

Gene: ELP1 (elongator acetyltransferase complex subunit 1; minus strand). Cytogenetic location: 9q31.3.
Variant type: Deletion.
Coding change: c.1990del on transcript NM_003640.5 (MANE Select); coding-DNA position 1990, one base deleted (T; older notation c.1990delT).
Protein change: p.Cys664fs; shifts the reading frame from cysteine 664.
Molecular consequence: frameshift variant.
Genome position (GRCh38, 1-based): chr9:108,901,449, A deleted on the plus strand (T on the coding strand, the reverse complement: ELP1 is on the minus strand); the first of 5 consecutive A bases (chr9:108,901,449-108,901,453); deleting any one gives the same sequence. VCF-style (leftmost placement, unchanged base first): chr9-108901448-CA-C. GRCh37 (hg19) VCF-style: chr9-111663728-CA-C.
Other names: c.1648del, p.Cys550fs (NM_001318360.2); c.943del, p.Cys315fs (NM_001330749.2); short protein forms C315fs, C550fs, C664fs.
Identifiers: ClinVar variation 2125412 (VCV002125412.4), dbSNP rs2537902302, ClinGen allele CA645562501.
Genomic context (GRCh38, chr9:108,901,448, plus strand): 5'-GAAGGGACCATTTCTGTTTTATACATTGAAAACTTACTTTTAAATGAAGCATCCCTCAGG[CA>C]AAAACACTGGCAGGTATGGGAATGGGTTGTCAACAATAAAAACTCATCATATACTGCAAA-3'